The following is an entry in ClinVar:

ClinVar aggregate classification (germline): Uncertain significance (1 of 4 stars; one submission).

Conditions:
Atransferrinemia. Also called: Familial hypotransferrinemia. Identifiers: Orphanet 1195, MedGen C0521802, MONDO:0008846, OMIM 209300, HP:0012239.

Submission:

Neuberg Centre For Genomic Medicine, NCGM
Classification: Uncertain significance for Atransferrinemia. Review status: criteria provided, single submitter. Criteria: ACMG Guidelines, 2015. Collection method: clinical testing. Allele origin: germline. Inheritance: Autosomal recessive inheritance. Affected: yes.
Comment: The observed missense c.113G>A(p.Cys38Tyr) variant in TF gene has not been reported previously as a pathogenic variant nor as a benign variant, to our knowledge. This variant is absent in gnomAD Exomes. The amino acid Cys at position 38 is changed to a Tyr changing protein sequence and it might alter its composition and physico-chemical properties. The amino acid change p.Cys38Tyr in TF is predicted as conserved by GERP++ and PhyloP across 100 vertebrates. The variant is predicted as damaging by SIFT. For these reasons, this variant has been classified as Uncertain Significance.

NM_001063.4(TF):c.113G>A (p.Cys38Tyr)

Gene: TF (transferrin; plus strand). Cytogenetic location: 3q22.1.
Variant type: single nucleotide variant.
Coding change: c.113G>A on transcript NM_001063.4 (MANE Select); coding-DNA position 113, G replaced by A.
Protein change: p.Cys38Tyr; replaces cysteine 38 with tyrosine.
Molecular consequence: missense variant. On other transcripts: 5 prime UTR variant (1), intron variant (1).
Genome position (GRCh38, 1-based): chr3:133,748,481, G>A. VCF-style: chr3-133748481-G-A. GRCh37 (hg19) VCF-style: chr3-133467325-G-A.
Other names: c.-20G>A (NM_001354703.2); c.-166+1998G>A (NM_001354704.2); short protein forms C38Y.
Identifiers: ClinVar variation 3242060 (VCV003242060.1), dbSNP rs2530569543.